The following is an entry in ClinVar:

ClinVar aggregate classification (germline): Pathogenic (1 of 4 stars; one submission).

Submission:

GeneDx
Classification: Pathogenic. Last evaluated: 2017-02-22. Review status: criteria provided, single submitter. Criteria: GeneDx Variant Classification (06012015). Collection method: clinical testing. Allele origin: germline. Affected: yes.
Comment: The E1503X nonsense variant in the CHD7 gene has been reported previously in association with CHARGE syndrome (Jongmans et al., 2006). This pathogenic variant is predicted to cause loss of normal protein function either through protein truncation or nonsense-mediated mRNA decay. The variant is not observed in large population cohorts (Lek et al., 2016; 1000 Genomes Consortium et al., 2015; Exome Variant Server). In summary, we consider this variant to be pathogenic.

NM_017780.4(CHD7):c.4507G>T (p.Glu1503Ter)

Gene: CHD7 (chromodomain helicase DNA binding protein 7; plus strand). Cytogenetic location: 8q12.2.
Variant type: single nucleotide variant.
Coding change: c.4507G>T on transcript NM_017780.4 (MANE Select); coding-DNA position 4507, G replaced by T.
Protein change: p.Glu1503Ter; replaces glutamic acid 1503 with a stop codon.
Molecular consequence: nonsense. On other transcripts: intron variant (1).
Genome position (GRCh38, 1-based): chr8:60,838,229, G>T. VCF-style: chr8-60838229-G-T. GRCh37 (hg19) VCF-style: chr8-61750788-G-T.
Other names: c.4507G>T (LRG_176t1); c.1717-24000G>T (NM_001316690.1); short protein forms E1503*.
Identifiers: ClinVar variation 420034 (VCV000420034.2), dbSNP rs1064794248, ClinGen allele CA16618670.